The following is an entry in ClinVar:

ClinVar aggregate classification (germline): Likely benign. Review status: criteria provided, multiple submitters, no conflicts (2 of 4 stars). 3 submissions from 3 submitters: Likely benign (3). Last evaluated 2025-10-26.

Conditions:
DYRK1A-related intellectual disability syndrome (MRD7). Also called: Intellectual developmental disorder, autosomal dominant 7; DYRK1A Syndrome. Identifiers: Orphanet 464306, MedGen C5568143, MONDO:0013578, OMIM 614104.

Allele frequency attached by ClinVar (database versions not stated): gnomAD exomes 0.00004 and 0.00006; ExAC 0.00009; gnomAD 0.00013 and 0.00014; TOPMed 0.00021; ESP Exome Variant Server 0.00023; 1000 Genomes Project 30x 0.00031.
gnomAD v4.1: 67 of 1,510,348 alleles (0.0044%); highest among the groups gnomAD compares: African/African-American, 0.019%; 1 homozygote.

Submissions (3):

Labcorp Genetics (formerly Invitae), Labcorp
Classification: Likely benign for DYRK1A-related intellectual disability syndrome. Last evaluated: 2025-10-26. Review status: criteria provided, single submitter. Criteria: Invitae Variant Classification Sherloc (09022015). Collection method: clinical testing. Allele origin: germline.

Blueprint Genetics
Classification: Likely benign. Last evaluated: 2023-12-21. Review status: criteria provided, single submitter. Criteria: ACMG Guidelines, 2015. Collection method: clinical testing. Allele origin: germline.

GeneDx
Classification: Likely benign. Last evaluated: 2017-05-04. Review status: criteria provided, single submitter. Criteria: GeneDx Variant Classification (06012015). Collection method: clinical testing. Allele origin: germline. Affected: yes.
Comment: This variant is considered likely benign or benign based on one or more of the following criteria: it is a conservative change, it occurs at a poorly conserved position in the protein, it is predicted to be benign by multiple in silico algorithms, and/or has population frequency not consistent with disease.

NM_001347721.2(DYRK1A):c.301-17A>G

Gene: DYRK1A (dual specificity tyrosine phosphorylation regulated kinase 1A; plus strand). Cytogenetic location: 21q22.13.
Variant type: single nucleotide variant.
Coding change: c.301-17A>G on transcript NM_001347721.2 (MANE Select); 17 bases into the intron before coding-DNA position 301, A replaced by G.
Molecular consequence: intron variant.
Genome position (GRCh38, 1-based): chr21:37,480,621, A>G. VCF-style: chr21-37480621-A-G. GRCh37 (hg19) VCF-style: chr21-38852923-A-G.
Other names: c.328-17A>G (NM_001396.5, NM_101395.2, NM_130438.2); c.301-17A>G (NM_001347722.2, NM_130436.2); c.214-17A>G (NM_001347723.2).
Identifiers: ClinVar variation 509426 (VCV000509426.10), dbSNP rs200070302, ClinGen allele CA10023779.